The following is an entry in ClinVar:

NM_031935.3(HMCN1):c.15545G>A (p.Arg5182Gln)

Gene: HMCN1 (hemicentin 1; plus strand). Cytogenetic location: 1q31.1.
Variant type: single nucleotide variant.
Coding change: c.15545G>A on transcript NM_031935.3 (MANE Select); coding-DNA position 15545, G replaced by A.
Protein change: p.Arg5182Gln; replaces arginine 5182 with glutamine.
Molecular consequence: missense variant.
Genome position (GRCh38, 1-based): chr1:186,166,913, G>A. VCF-style: chr1-186166913-G-A. GRCh37 (hg19) VCF-style: chr1-186136045-G-A.
Other names: c.15545G>A (NM_031935.2); short protein forms R5182Q.
Identifiers: ClinVar variation 2055506 (VCV002055506.5), dbSNP rs148826584, ClinGen allele CA1295292.

ClinVar aggregate classification (germline): Uncertain significance. Review status: criteria provided, multiple submitters, no conflicts (2 of 4 stars). 2 submissions from 2 submitters: Uncertain significance (2). Last evaluated 2025-08-21.

Allele frequency attached by ClinVar (database versions not stated): TOPMed 0.00005; ExAC 0.00007; gnomAD 0.00007; ESP Exome Variant Server 0.00008; 1000 Genomes Project 30x 0.00016; 1000 Genomes Project 0.00020.
gnomAD v4.1: 60 of 1,614,112 alleles (0.0037%); highest among the groups gnomAD compares: Admixed American, 0.01%; no homozygotes.

Submissions (2):

Labcorp Genetics (formerly Invitae), Labcorp
Classification: Uncertain significance. Last evaluated: 2025-08-21. Review status: criteria provided, single submitter. Criteria: Invitae Variant Classification Sherloc (09022015). Collection method: clinical testing. Allele origin: germline.
Comment: This sequence change replaces arginine, which is basic and polar, with glutamine, which is neutral and polar, at codon 5182 of the HMCN1 protein (p.Arg5182Gln). This variant is present in population databases (rs148826584, gnomAD 0.02%). This variant has not been reported in the literature in individuals affected with HMCN1-related conditions. ClinVar contains an entry for this variant (Variation ID: 2055506). An algorithm developed to predict the effect of missense changes on protein structure and function (PolyPhen-2) suggests that this variant is likely to be disruptive. In summary, the available evidence is currently insufficient to determine the role of this variant in disease. Therefore, it has been classified as a Variant of Uncertain Significance.

Ambry Genetics
Classification: Uncertain significance. Last evaluated: 2024-10-19. Review status: criteria provided, single submitter. Criteria: Ambry Variant Classification Scheme 2023. Collection method: clinical testing. Allele origin: germline.